The following is an entry in ClinVar:

ClinVar aggregate classification (germline): Benign (1 of 4 stars; one submission).

Allele frequency attached by ClinVar (database versions not stated): TOPMed 0.75820; 1000 Genomes Project 30x 0.75703; 1000 Genomes Project 0.76378.
gnomAD v4.1: 114,753 of 147,020 alleles (78%); highest among the groups gnomAD compares: East Asian, 97%; 48,798 homozygotes.

Submission:

GeneDx
Classification: Benign. Last evaluated: 2018-06-19. Review status: criteria provided, single submitter. Criteria: GeneDx Variant Classification (06012015). Collection method: clinical testing. Allele origin: germline. Affected: yes.
Comment: This variant is considered likely benign or benign based on one or more of the following criteria: it is a conservative change, it occurs at a poorly conserved position in the protein, it is predicted to be benign by multiple in silico algorithms, and/or has population frequency not consistent with disease.

NM_025114.4(CEP290):c.2991+1325C>G

Gene: CEP290 (centrosomal protein 290; minus strand). Cytogenetic location: 12q21.32.
Variant type: single nucleotide variant.
Coding change: c.2991+1325C>G on transcript NM_025114.4 (MANE Select); 1325 bases into the intron after coding-DNA position 2991, C replaced by G.
Molecular consequence: intron variant.
Genome position (GRCh38, 1-based): chr12:88,101,513, G>C on the plus strand (C>G on the coding strand, the complement: CEP290 is on the minus strand). VCF-style: chr12-88101513-G-C. GRCh37 (hg19) VCF-style: chr12-88495290-G-C.
Identifiers: ClinVar variation 668066 (VCV000668066.1), dbSNP rs10858687, ClinGen allele CA16451691.
Genomic context (GRCh38, chr12:88,101,513, plus strand): 5'-CCTGGGTGACAGAGCGAGACTCTGCCTCAAAAAAAAAAAAAAAAAAAAAAAAATTAGCTG[G>C]TGTGGTGGTGCACACCTGTAATCCCAGCTACTCAGAGGCTGAGGCAGGAGAACTGCTTGA-3'